The following is an entry in ClinVar:

ClinVar aggregate classification (germline): Likely pathogenic (1 of 4 stars; one submission).

Submission:

Labcorp Genetics (formerly Invitae), Labcorp
Classification: Likely pathogenic. Last evaluated: 2023-03-08. Review status: criteria provided, single submitter. Criteria: Invitae Variant Classification Sherloc (09022015). Collection method: clinical testing. Allele origin: germline.
Comment: In summary, the currently available evidence indicates that the variant is pathogenic, but additional data are needed to prove that conclusively. Therefore, this variant has been classified as Likely Pathogenic. Algorithms developed to predict the effect of sequence changes on RNA splicing suggest that this variant may disrupt the consensus splice site. This variant has not been reported in the literature in individuals affected with LARS-related conditions. This variant is not present in population databases (gnomAD no frequency). This sequence change affects a donor splice site in intron 18 of the LARS gene. It is expected to disrupt RNA splicing. Variants that disrupt the donor or acceptor splice site typically lead to a loss of protein function (PMID: 16199547), and loss-of-function variants in LARS are known to be pathogenic (PMID: 32699352, 33300650).

Literature cited by the submitters: PubMed 16199547; PubMed 32699352; PubMed 33300650.

NM_020117.11(LARS1):c.1738+1G>A

Gene: LARS1 (leucyl-tRNA synthetase 1; minus strand). Cytogenetic location: 5q32.
Variant type: single nucleotide variant.
Coding change: c.1738+1G>A on transcript NM_020117.11 (MANE Select); the canonical splice donor site of the intron after coding-DNA position 1738, G replaced by A.
Molecular consequence: splice donor variant.
Genome position (GRCh38, 1-based): chr5:146,144,266, C>T on the plus strand (G>A on the coding strand, the complement: LARS1 is on the minus strand). VCF-style: chr5-146144266-C-T. GRCh37 (hg19) VCF-style: chr5-145523829-C-T.
Other names: c.1576+1G>A (NM_001317965.2); c.1657+1G>A (NM_016460.4); c.1600+1G>A (NM_001317964.2).
Identifiers: ClinVar variation 2824624 (VCV002824624.3), dbSNP rs2532853423, ClinGen allele CA361608977.